The following is an entry in ClinVar:

NM_004369.4(COL6A3):c.6212_6309+28del

Genes: COL6A3 (collagen type VI alpha 3 chain; minus strand), LOC122889011 (Sharpr-MPRA regulatory region 1020; plus strand). Cytogenetic location: 2q37.3.
Variant type: Deletion.
Coding change: c.6212_6309+28del on transcript NM_004369.4 (MANE Select); coding-DNA position 6212 through 28 bases into the intron after coding-DNA position 6309, 825 bases deleted.
Molecular consequence: splice acceptor variant, splice donor variant.
Genome position (GRCh38, 1-based): chr2:237,359,334-237,360,158, 825 bases deleted. GRCh37 (hg19): chr2:238,267,977-238,268,801.
Other names: c.4391_4488+28del (NM_057166.5); c.5594_5691+28del (NM_057167.4).
Identifiers: ClinVar variation 542995 (VCV000542995.1), dbSNP rs1553553313, ClinGen allele CA658796209.

ClinVar aggregate classification (germline): Pathogenic (1 of 4 stars; one submission).

Conditions:
Bethlem myopathy 1A. Also called: MYOPATHY, BENIGN CONGENITAL, WITH CONTRACTURES; Bethlem Muscular Dystrophy; Bethlem myopathy 1. Identifiers: Orphanet 610, MedGen CN029274, MONDO:0024530, OMIM 158810.

Submission:

Labcorp Genetics (formerly Invitae), Labcorp
Classification: Pathogenic for Bethlem myopathy 1A. Last evaluated: 2017-12-11. Review status: criteria provided, single submitter. Criteria: Invitae Variant Classification Sherloc (09022015). Collection method: clinical testing. Allele origin: germline.
Comment: This variant is a gross deletion of the genomic region encompassing the last 71 nucleotides of exon 17 and all of exon 18 of the COL6A3 gene, including the intron 17, exon 18 boundary (c.6212_6309+29del). This likely creates a premature translational stop signal and is expected to result in an absent or disrupted protein product. This variant has not been reported in the literature in individuals with COL6A3-related disease. Loss-of-function variants in COL6A3 are known to be pathogenic (PMID: 17886299, 11992252). For these reasons, this variant has been classified as Pathogenic.